The following is an entry in ClinVar:

ClinVar aggregate classification (germline): Likely benign (1 of 4 stars; one submission).

Submission:

CeGaT Center for Human Genetics Tuebingen
Classification: Likely benign. Last evaluated: 2025-08-01. Review status: criteria provided, single submitter. Criteria: CeGaT Center For Human Genetics Tuebingen Variant Classification Criteria Version 2. Collection method: clinical testing. Allele origin: germline. Affected: yes. Observed: 1 variant allele.
Comment: KMT2B: PM2:Supporting, BP4, BP7

NM_014727.3(KMT2B):c.5454G>A (p.Glu1818=)

Gene: KMT2B (lysine methyltransferase 2B; plus strand). Cytogenetic location: 19q13.12.
Variant type: single nucleotide variant.
Coding change: c.5454G>A on transcript NM_014727.3 (MANE Select); coding-DNA position 5454, G replaced by A.
Protein change: p.Glu1818=; no amino-acid change (glutamic acid 1818 retained).
Molecular consequence: synonymous variant.
Genome position (GRCh38, 1-based): chr19:35,731,924, G>A. VCF-style: chr19-35731924-G-A. GRCh37 (hg19) VCF-style: chr19-36222825-G-A.
Identifiers: ClinVar variation 4085645 (VCV004085645.8).